The following is an entry in ClinVar:

ClinVar aggregate classification (germline): Uncertain significance (1 of 4 stars; one submission).

Conditions:
Juvenile polyposis syndrome (JPS). Identifiers: Orphanet 2929, MedGen C0345893, MONDO:0017380, OMIM 174900.

Allele frequency attached by ClinVar (database versions not stated): gnomAD exomes below 0.00001; TOPMed below 0.00001; gnomAD 0.00001.
gnomAD v4.1: 3 of 1,613,566 alleles (0.00019%); highest among the groups gnomAD compares: Non-Finnish European, 0.00025%; no homozygotes.

Submission:

Labcorp Genetics (formerly Invitae), Labcorp
Classification: Uncertain significance for Juvenile polyposis syndrome. Last evaluated: 2025-07-29. Review status: criteria provided, single submitter. Criteria: Invitae Variant Classification Sherloc (09022015). Collection method: clinical testing. Allele origin: germline.
Comment: This sequence change replaces alanine, which is neutral and non-polar, with threonine, which is neutral and polar, at codon 15 of the SMAD4 protein (p.Ala15Thr). This variant is not present in population databases (gnomAD no frequency). This variant has not been reported in the literature in individuals affected with SMAD4-related conditions. ClinVar contains an entry for this variant (Variation ID: 1052327). Invitae Evidence Modeling of protein sequence and biophysical properties (such as structural, functional, and spatial information, amino acid conservation, physicochemical variation, residue mobility, and thermodynamic stability) has been performed for this missense variant. However, the output from this modeling did not meet the statistical confidence thresholds required to predict the impact of this variant on SMAD4 protein function. In summary, the available evidence is currently insufficient to determine the role of this variant in disease. Therefore, it has been classified as a Variant of Uncertain Significance.

NM_005359.6(SMAD4):c.43G>A (p.Ala15Thr)

Gene: SMAD4 (SMAD family member 4; plus strand). Cytogenetic location: 18q21.2.
Variant type: single nucleotide variant.
Coding change: c.43G>A on transcript NM_005359.6 (MANE Select); coding-DNA position 43, G replaced by A.
Protein change: p.Ala15Thr; replaces alanine 15 with threonine.
Molecular consequence: missense variant.
Genome position (GRCh38, 1-based): chr18:51,047,089, G>A. VCF-style: chr18-51047089-G-A. GRCh37 (hg19) VCF-style: chr18-48573459-G-A.
Other names: short protein forms A15T.
Identifiers: ClinVar variation 1052327 (VCV001052327.9), dbSNP rs1909566748, ClinGen allele CA402457346.